The following is an entry in ClinVar:

NM_001813.3(CENPE):c.6064C>G (p.Gln2022Glu)

Gene: CENPE (centromere protein E; minus strand). Cytogenetic location: 4q24.
Variant type: single nucleotide variant.
Coding change: c.6064C>G on transcript NM_001813.3 (MANE Select); coding-DNA position 6064, C replaced by G.
Protein change: p.Gln2022Glu; replaces glutamine 2022 with glutamic acid.
Molecular consequence: missense variant. On other transcripts: intron variant (1).
Genome position (GRCh38, 1-based): chr4:103,139,929, G>C on the plus strand (C>G on the coding strand, the complement: CENPE is on the minus strand). VCF-style: chr4-103139929-G-C. GRCh37 (hg19) VCF-style: chr4-104061086-G-C.
Other names: c.5838+327C>G (NM_001286734.2); short protein forms Q2022E.
Identifiers: ClinVar variation 2269292 (VCV002269292.3), dbSNP rs2477894837, ClinGen allele CA357775544.

ClinVar aggregate classification (germline): Uncertain significance. Review status: criteria provided, multiple submitters, no conflicts (2 of 4 stars). 2 submissions from 2 submitters: Uncertain significance (2). Last evaluated 2023-11-08.

Submissions (2):

GeneDx
Classification: Uncertain significance. Last evaluated: 2023-11-08. Review status: criteria provided, single submitter. Criteria: GeneDx Variant Classification Process June 2021. Collection method: clinical testing. Allele origin: germline. Affected: yes.
Comment: Not observed at significant frequency in large population cohorts (gnomAD); In silico analysis supports that this missense variant does not alter protein structure/function; Has not been previously published as pathogenic or benign to our knowledge

Ambry Genetics
Classification: Uncertain significance. Last evaluated: 2022-01-04. Review status: criteria provided, single submitter. Criteria: Ambry Variant Classification Scheme 2023. Collection method: clinical testing. Allele origin: germline.